The following is an entry in ClinVar:

ClinVar aggregate classification (germline): Likely pathogenic (3 of 4 stars; one submission).

Conditions:
RPGR-related retinopathy. Also called: RPGR retinopathy. Identifiers: MedGen CN305589, MONDO:0100437.

Submission:

ClinGen X-linked Inherited Retinal Disease Variant Curation Expert Panel, ClinGen
Classification: Likely pathogenic for RPGR-related retinopathy. Last evaluated: 2025-08-28. Review status: reviewed by expert panel. Criteria: ClinGen X LinkedIRD ACMG Specifications RPGR V1.0.0. Collection method: curation. Allele origin: germline. Inheritance: X-linked inheritance.
Comment: NM_001034853.2(RPGR):c.2272del (p.Glu758LysfsTer?) is a frameshift variant due to a 1-nucleotide deletion that introduces a premature stop codon within exon 15 of 15 that is predicted to disrupt a critical C-terminal region required for proper glutamylation of RPGR (PVS1, PMID: 36445968). This variant is absent from gnomAD v4.1.0 (PM2_Supporting). This variant has been reported in at least 1 proband meeting one of the PS4 requirements of a male with some functional vision impairment by age 30 years and/or decreased or absent electroretinogram responses, or a female with functional visual abnormality and documentation of a male relative affected with retinitis pigmentosa (PMID: 34745198). However, PS4_Supporting requires at least 2 unrelated probands, so this criterion was not met. The variant has been reported to segregate with retinal dystrophy through an affected mother and daughter from 1 family, however, at least 2 affected meioses are required for PP1, so this code is not met (PMID: 34745198). In summary, this variant is classified as likely pathogenic for RPGR-related retinopathy based on the ClinGen X-linked Inherited Retinal Disease Expert Panel Specifications to the ACMG/AMP Variant Interpretation Guidelines for RPGR Version 1.0.0; PVS1 and PM2_Supporting.

NM_001034853.2(RPGR):c.2272del (p.Glu758fs)

Gene: RPGR (retinitis pigmentosa GTPase regulator; minus strand). Cytogenetic location: Xp11.4.
Variant type: Deletion.
Coding change: c.2272del on transcript NM_001034853.2 (MANE Select); coding-DNA position 2272, one base deleted (G; older notation c.2272delG).
Protein change: p.Glu758fs; shifts the reading frame from glutamic acid 758.
Molecular consequence: frameshift variant. On other transcripts: intron variant (8).
Genome position (GRCh38, 1-based): chrX:38,286,727, C deleted on the plus strand (G on the coding strand, the reverse complement: RPGR is on the minus strand); the first of 2 consecutive C bases (chrX:38,286,727-38,286,728); deleting either gives the same sequence. VCF-style (leftmost placement, unchanged base first): chrX-38286726-TC-T. GRCh37 (hg19) VCF-style: chrX-38145979-TC-T.
Other names: NM_001034853.2:c.2272del; c.1569+4232del (NM_001367249.1, NM_001367250.1); c.1902+367del (NM_001367245.1); c.1386+4232del (NM_001367251.1); c.1719+367del (NM_001367246.1); c.1572+4232del (NM_001367247.1); c.1905+367del (NM_000328.3); c.1602+4232del (NM_001367248.1); short protein forms E758fs.
Identifiers: ClinVar variation 4082174 (VCV004082174.1).